The following is an entry in ClinVar:

NM_000038.6(APC):c.5263G>A (p.Ala1755Thr)

Gene: APC (APC regulator of Wnt signaling pathway; plus strand). Cytogenetic location: 5q22.2.
Variant type: single nucleotide variant.
Coding change: c.5263G>A on transcript NM_000038.6 (MANE Select); coding-DNA position 5263, G replaced by A.
Protein change: p.Ala1755Thr; replaces alanine 1755 with threonine.
Molecular consequence: missense variant. On other transcripts: non-coding transcript variant (2).
Genome position (GRCh38, 1-based): chr5:112,840,857, G>A. VCF-style: chr5-112840857-G-A. GRCh37 (hg19) VCF-style: chr5-112176554-G-A.
Other names: c.5263G>A, p.Ala1755Thr (NM_001127510.3, NM_001354895.2, NM_001407450.1); c.5209G>A, p.Ala1737Thr (NM_001127511.3); c.5317G>A, p.Ala1773Thr (NM_001354896.2, NM_001407447.1, NM_001407448.1 and 1 more transcripts); c.5293G>A, p.Ala1765Thr (NM_001354897.2); c.5188G>A, p.Ala1730Thr (NM_001354898.2); c.5179G>A, p.Ala1727Thr (NM_001354899.2); c.5140G>A, p.Ala1714Thr (NM_001354900.2); c.5086G>A, p.Ala1696Thr (NM_001354901.2, NM_001407453.1); and 11 more; short protein forms A1696T, A1727T, A1737T, A1472T, A1626T, A1773T, A1654T, A1672T.
Identifiers: ClinVar variation 4563417 (VCV004563417.1).

ClinVar aggregate classification (germline): Uncertain significance (1 of 4 stars; one submission).

Conditions:
Hereditary cancer-predisposing syndrome. Also called: Neoplastic Syndromes, Hereditary; Tumor predisposition; Hereditary Cancer Syndrome; Hereditary neoplastic syndrome. Identifiers: Orphanet 140162, MedGen C0027672, MeSH D009386, MONDO:0015356.

Submission:

Ambry Genetics
Classification: Uncertain significance for Hereditary cancer-predisposing syndrome. Last evaluated: 2025-10-26. Review status: criteria provided, single submitter. Criteria: Ambry Variant Classification Scheme 2023. Collection method: clinical testing. Allele origin: germline.
Comment: The p.A1755T variant (also known as c.5263G>A), located in coding exon 15 of the APC gene, results from a G to A substitution at nucleotide position 5263. The alanine at codon 1755 is replaced by threonine, an amino acid with similar properties. This amino acid position is conserved. In addition, in silico predictors for this gene do not accurately predict pathogenicity. Based on the available evidence, the clinical significance of this variant remains unclear.